The following is an entry in ClinVar:

NM_001166108.2(PALLD):c.2614A>C (p.Asn872His)

Genes: CBR4 (carbonyl reductase 4; minus strand), PALLD (palladin, cytoskeletal associated protein; plus strand). Cytogenetic location: 4q32.3.
Variant type: single nucleotide variant.
Coding change: c.2614A>C on transcript NM_001166108.2 (MANE Select); coding-DNA position 2614, A replaced by C.
Protein change: p.Asn872His; replaces asparagine 872 with histidine.
Molecular consequence: missense variant.
Genome position (GRCh38, 1-based): chr4:168,903,898, A>C. VCF-style: chr4-168903898-A-C. GRCh37 (hg19) VCF-style: chr4-169825049-A-C.
Other names: c.1417A>C, p.Asn473His (NM_001166109.2); c.1102A>C, p.Asn368His (NM_001166110.2); c.442A>C, p.Asn148His (NM_001367567.1, NM_001367569.1); c.493A>C, p.Asn165His (NM_001367568.1, NM_001367570.1); c.2563A>C, p.Asn855His (NM_016081.4); short protein forms N148H, N165H, N368H, N473H, N855H, N872H.
Identifiers: ClinVar variation 4861542 (VCV004861542.1).
Genomic context (GRCh38, chr4:168,903,898, plus strand): 5'-TCCCTCCATACCACAGCCTCCACCCTAGATGATGATGGGAATTATACAATTATGGCTGCA[A>C]ACCCTCAGGTAAAGAAGGGTATAGGTCTGGGCTCAGTTCTGTGTCTAGTGCTTACAGGCA-3'
Protein context (NP_001159580.1, residues 862-882): DDGNYTIMAA[Asn872His]PQGRISCTGR

ClinVar aggregate classification (germline): Uncertain significance (1 of 4 stars; one submission).

gnomAD v4.1: 1 of 1,614,038 alleles (0.000062%); highest among the groups gnomAD compares: Admixed American, 0.0017%; no homozygotes.

Submission:

Ambry Genetics
Classification: Uncertain significance. Last evaluated: 2026-04-23. Review status: criteria provided, single submitter. Criteria: Ambry Variant Classification Scheme 2023. Collection method: clinical testing. Allele origin: germline.
Comment: The p.N368H variant (also known as c.1102A>C), located in coding exon 5 of the PALLD gene, results from an A to C substitution at nucleotide position 1102. The asparagine at codon 368 is replaced by histidine, an amino acid with similar properties. This amino acid position is conserved. In addition, the in silico prediction for this alteration is inconclusive. Based on the available evidence, the clinical significance of this variant remains unclear.